The following is an entry in ClinVar:

ClinVar aggregate classification (germline): Uncertain significance. Review status: criteria provided, multiple submitters, no conflicts (2 of 4 stars). 2 submissions from 2 submitters: Uncertain significance (2). Last evaluated 2025-12-25.

Allele frequency attached by ClinVar (database versions not stated): gnomAD 0.00004; TOPMed 0.00005; gnomAD exomes 0.00008; ExAC 0.00013; 1000 Genomes Project 30x 0.00016; 1000 Genomes Project 0.00020.

Submissions (2):

Labcorp Genetics (formerly Invitae), Labcorp
Classification: Uncertain significance. Last evaluated: 2025-12-25. Review status: criteria provided, single submitter. Criteria: Invitae Variant Classification Sherloc (09022015). Collection method: clinical testing. Allele origin: germline.
Comment: This sequence change replaces arginine, which is basic and polar, with glutamine, which is neutral and polar, at codon 616 of the TNK2 protein (p.Arg616Gln). This variant is present in population databases (rs201768983, gnomAD 0.04%). This variant has not been reported in the literature in individuals affected with TNK2-related conditions. ClinVar contains an entry for this variant (Variation ID: 2141002). An algorithm developed to predict the effect of missense changes on protein structure and function (PolyPhen-2) suggests that this variant is likely to be disruptive. In summary, the available evidence is currently insufficient to determine the role of this variant in disease. Therefore, it has been classified as a Variant of Uncertain Significance.

Ambry Genetics
Classification: Uncertain significance. Last evaluated: 2025-06-18. Review status: criteria provided, single submitter. Criteria: Ambry Variant Classification Scheme 2023. Collection method: clinical testing. Allele origin: germline.

NM_001382273.1(TNK2):c.1658G>A (p.Arg553Gln)

Gene: TNK2 (tyrosine kinase non receptor 2; minus strand). Cytogenetic location: 3q29.
Variant type: single nucleotide variant.
Coding change: c.1658G>A on transcript NM_001382273.1 (MANE Select); coding-DNA position 1658, G replaced by A.
Protein change: p.Arg553Gln; replaces arginine 553 with glutamine.
Molecular consequence: missense variant. On other transcripts: non-coding transcript variant (15).
Genome position (GRCh38, 1-based): chr3:195,868,640, C>T on the plus strand (G>A on the coding strand, the complement: TNK2 is on the minus strand). VCF-style: chr3-195868640-C-T. GRCh37 (hg19) VCF-style: chr3-195595511-C-T.
Other names: c.1730G>A, p.Arg577Gln (NM_001010938.2, NM_001382272.1); c.1709G>A, p.Arg570Gln (NM_001308046.2, NM_001382271.1); c.1658G>A, p.Arg553Gln (NM_001382274.1, NM_001387716.1, NM_001387717.1 and 1 more transcripts); c.1754G>A, p.Arg585Gln (NM_001382275.1, NM_001387707.1); c.1613G>A, p.Arg538Gln (NM_001386164.1, NM_001387709.1, NM_001387710.1 and 8 more transcripts); c.1685G>A, p.Arg562Gln (NM_001387708.1, NM_001387715.1); c.1847G>A (NM_001010938.1); short protein forms R553Q, R538Q, R562Q, R577Q, R570Q, R585Q.
Identifiers: ClinVar variation 2141002 (VCV002141002.5), dbSNP rs201768983, ClinGen allele CA2776241.